The following is an entry in ClinVar:

NM_013275.6(ANKRD11):c.7069_7071del (p.Lys2357del)

Gene: ANKRD11 (ankyrin repeat domain 11; minus strand). Cytogenetic location: 16q24.3.
Variant type: Deletion.
Coding change: c.7069_7071del on transcript NM_013275.6 (MANE Select); coding-DNA positions 7069 to 7071, 3 bases deleted (AAG; older notation c.7069_7071delAAG).
Protein change: p.Lys2357del; deletes lysine 2357.
Molecular consequence: inframe deletion.
Genome position (GRCh38, 1-based): chr16:89,279,471-89,279,473, CTT deleted on the plus strand (AAG on the coding strand, the reverse complement: ANKRD11 is on the minus strand); deleting any 3 consecutive bases within chr16:89,279,471-89,279,475 gives the same sequence; the c. name uses the placement nearest the transcript's 3' end. VCF-style (leftmost placement, unchanged base first): chr16-89279470-CCTT-C. GRCh37 (hg19) VCF-style: chr16-89345878-CCTT-C.
Other names: c.7069_7071del, p.Lys2357del (NM_001256182.2, NM_001256183.2); short protein forms K2357del.
Identifiers: ClinVar variation 4734694 (VCV004734694.1).

ClinVar aggregate classification (germline): Uncertain significance (1 of 4 stars; one submission).

Conditions:
KBG syndrome (KBGS). Also called: ANKRD11-Related KBG Syndrome. Identifiers: Orphanet 2332, MedGen C0220687, MONDO:0007846, OMIM 148050.

Submission:

Labcorp Genetics (formerly Invitae), Labcorp
Classification: Uncertain significance for KBG syndrome. Last evaluated: 2025-11-30. Review status: criteria provided, single submitter. Criteria: Invitae Variant Classification Sherloc (09022015). Collection method: clinical testing. Allele origin: germline.
Comment: This variant, c.7069_7071del, results in the deletion of 1 amino acid(s) of the ANKRD11 protein (p.Lys2357del), but otherwise preserves the integrity of the reading frame. This variant is present in population databases (no rsID available, gnomAD 0.01%). This variant has not been reported in the literature in individuals affected with ANKRD11-related conditions. Experimental studies and prediction algorithms are not available or were not evaluated, and the functional significance of this variant is currently unknown. In summary, the available evidence is currently insufficient to determine the role of this variant in disease. Therefore, it has been classified as a Variant of Uncertain Significance.